The following is an entry in ClinVar:

NM_198999.3(SLC26A5):c.1813A>G (p.Thr605Ala)

Gene: SLC26A5 (solute carrier family 26 member 5; minus strand). Cytogenetic location: 7q22.1.
Variant type: single nucleotide variant.
Coding change: c.1813A>G on transcript NM_198999.3 (MANE Select); coding-DNA position 1813, A replaced by G.
Protein change: p.Thr605Ala; replaces threonine 605 with alanine.
Molecular consequence: missense variant. On other transcripts: non-coding transcript variant (5), intron variant (2).
Genome position (GRCh38, 1-based): chr7:103,377,772, T>C on the plus strand (A>G on the coding strand, the complement: SLC26A5 is on the minus strand). VCF-style: chr7-103377772-T-C. GRCh37 (hg19) VCF-style: chr7-103018219-T-C.
Other names: c.1717A>G, p.Thr573Ala (NM_001167962.2, NM_001321787.2); c.1813A>G, p.Thr605Ala (NM_206883.3); c.971+20160A>G (NM_206885.3); c.1514+11236A>G (NM_206884.3); short protein forms T605A, T573A.
Identifiers: ClinVar variation 48337 (VCV000048337.21), dbSNP rs142849754, ClinGen allele CA143205.
Genomic context (GRCh38, chr7:103,377,772, plus strand): 5'-ATGTGCTTTTGATCACTATTGGGGGATATTTTACTTCACCATCCTCTTCTTCAGGCTTGG[T>C]AGCATCCTCTCCATCTACTTCTGCATCCTGTGTCAAAAATTAAACCAAACCAGAATTTTA-3'
Protein context (NP_945350.1, residues 595-615): ADAEVDGEDA[Thr605Ala]KPEEEDGEVK

ClinVar aggregate classification (germline): Benign/Likely benign. Review status: criteria provided, multiple submitters, no conflicts (2 of 4 stars). 7 submissions from 7 submitters: Benign (4); Likely benign (3). Last evaluated 2026-01-17.

Allele frequency attached by ClinVar (database versions not stated): gnomAD exomes 0.00018 and 0.00057; ExAC 0.00065; gnomAD 0.00206 and 0.00221; TOPMed 0.00223; ESP Exome Variant Server 0.00269; 1000 Genomes Project 0.00319; 1000 Genomes Project 30x 0.00390.
gnomAD v4.1: 597 of 1,614,080 alleles (0.037%); highest among the groups gnomAD compares: African/African-American, 0.67%; 1 homozygote.

Submissions (7):

Labcorp Genetics (formerly Invitae), Labcorp
Classification: Likely benign. Last evaluated: 2026-01-17. Review status: criteria provided, single submitter. Criteria: Invitae Variant Classification Sherloc (09022015). Collection method: clinical testing. Allele origin: germline.

Blueprint Genetics
Classification: Likely benign. Last evaluated: 2024-09-09. Review status: criteria provided, single submitter. Criteria: ACMG Guidelines, 2015. Collection method: clinical testing. Allele origin: germline.

GeneDx
Classification: Benign. Last evaluated: 2019-06-24. Review status: criteria provided, single submitter. Criteria: GeneDx Variant Classification Process June 2021. Collection method: clinical testing. Allele origin: germline. Affected: yes.

Eurofins Ntd Llc (ga)
Classification: Benign. Last evaluated: 2017-02-28. Review status: criteria provided, single submitter. Criteria: EGL Classification Definitions 2015. Collection method: clinical testing. Allele origin: germline. Observed: 1 variant allele, 1 heterozygote.

Laboratory for Molecular Medicine, Mass General Brigham Personalized Medicine
Classification: Benign. Last evaluated: 2012-04-30. Review status: criteria provided, single submitter. Criteria: LMM Criteria. Collection method: clinical testing. Allele origin: germline. Observed: 2 variant alleles.
Comment: Thr605Ala in Exon 18 of SLC26A5: This variant is not expected to have clinical s ignificance because it has been identified in 0.7% (26/3738) of African American chromosomes from a broad population by the NHLBI Exome Sequencing Project (dbSNP rs142849754).

Breakthrough Genomics
Classification: Likely benign. Review status: criteria provided, single submitter. Criteria: ACMG Guidelines, 2015. Collection method: not provided. Allele origin: germline. Inheritance: Autosomal recessive inheritance. Affected: yes.

PreventionGenetics, part of Exact Sciences
Classification: Benign. Review status: criteria provided, single submitter. Criteria: ACMG Guidelines, 2015. Collection method: clinical testing. Allele origin: germline.